The following is an entry in ClinVar:

ClinVar aggregate classification (germline): Uncertain significance (1 of 4 stars; one submission).

Conditions:
Hereditary breast ovarian cancer syndrome. Also called: Hereditary breast and ovarian cancer; Hereditary breast and/or ovarian cancer syndrome; BRCA1- and BRCA2-Associated Hereditary Breast and Ovarian Cancer; Hereditary breast and ovarian cancer syndrome; Hereditary breast and ovarian cancer syndrome (HBOC); Breast and ovarian cancer. Identifiers: Orphanet 145, MedGen C0677776, MeSH D061325, MONDO:0003582. Disease mechanism: loss of function.

Submission:

Labcorp Genetics (formerly Invitae), Labcorp
Classification: Uncertain significance for Hereditary breast ovarian cancer syndrome. Last evaluated: 2021-11-23. Review status: criteria provided, single submitter. Criteria: Invitae Variant Classification Sherloc (09022015). Collection method: clinical testing. Allele origin: germline.
Comment: In summary, the available evidence is currently insufficient to determine the role of this variant in disease. Therefore, it has been classified as a Variant of Uncertain Significance. Advanced modeling of protein sequence and biophysical properties (such as structural, functional, and spatial information, amino acid conservation, physicochemical variation, residue mobility, and thermodynamic stability) performed at Invitae indicates that this missense variant is not expected to disrupt BRCA2 protein function. This variant has not been reported in the literature in individuals affected with BRCA2-related conditions. This variant is not present in population databases (gnomAD no frequency). This sequence change replaces glutamic acid, which is acidic and polar, with aspartic acid, which is acidic and polar, at codon 2850 of the BRCA2 protein (p.Glu2850Asp).

NM_000059.4(BRCA2):c.8550A>T (p.Glu2850Asp)

Gene: BRCA2 (BRCA2 DNA repair associated; plus strand). Cytogenetic location: 13q13.1.
Variant type: single nucleotide variant.
Coding change: c.8550A>T on transcript NM_000059.4 (MANE Select); coding-DNA position 8550, A replaced by T.
Protein change: p.Glu2850Asp; replaces glutamic acid 2850 with aspartic acid.
Molecular consequence: missense variant.
Genome position (GRCh38, 1-based): chr13:32,371,018, A>T. VCF-style: chr13-32371018-A-T. GRCh37 (hg19) VCF-style: chr13-32945155-A-T.
Other names: short protein forms E2850D.
Identifiers: ClinVar variation 1365926 (VCV001365926.6), dbSNP rs1566249284, ClinGen allele CA387752779.